The following is an entry in ClinVar:

ClinVar aggregate classification (germline): Uncertain significance. Review status: criteria provided, multiple submitters, no conflicts (2 of 4 stars). 2 submissions from 2 submitters: Uncertain significance (2). Last evaluated 2024-03-05.

Conditions:
Malignant hyperthermia, susceptibility to, 1 (MHS1). Also called: RYR1-Related Malignant Hyperthermia Susceptibility; Malignant hyperthermia suceptibility 1; Anesthesia related hyperthermia; Malignant hyperpyrexia; Fulminating hyperpyrexia; Pharmacogenic myopathy. Identifiers: Orphanet 423, MedGen C2930980, MONDO:0007783, OMIM 145600.
RYR1-related disorder. Also called: RYR1-related disorders; RYR1-related condition. Identifiers: MedGen CN239331.

Allele frequency attached by ClinVar (database versions not stated): gnomAD exomes below 0.00001; TOPMed 0.00001; ExAC 0.00002.
gnomAD v4.1: 4 of 1,610,448 alleles (0.00025%); highest among the groups gnomAD compares: East Asian, 0.0089%; no homozygotes.

Submissions (2):

All of Us Research Program, National Institutes of Health
Classification: Uncertain significance for Malignant hyperthermia, susceptibility to, 1. Last evaluated: 2024-03-05. Review status: criteria provided, single submitter. Criteria: ACMG Guidelines, 2015. Collection method: clinical testing. Allele origin: germline. Inheritance: Autosomal dominant inheritance. Observed: 2 variant alleles, 2 heterozygotes.
Comment: This study involves interpretation of variants in research participants for the purpose of population health screening. Participant phenotype was not available at the time of variant classification. Additional details can be found in publication PMID: 35346344, PMCID: PMC8962531

Labcorp Genetics (formerly Invitae), Labcorp
Classification: Uncertain significance for RYR1-related disorder. Last evaluated: 2021-08-31. Review status: criteria provided, single submitter. Criteria: Invitae Variant Classification Sherloc (09022015). Collection method: clinical testing. Allele origin: germline.
Comment: This sequence change replaces glutamic acid with glutamine at codon 2635 of the RYR1 protein (p.Glu2635Gln). The glutamic acid residue is moderately conserved and there is a small physicochemical difference between glutamic acid and glutamine. This variant is present in population databases (rs750282403, ExAC 0.02%). This variant has not been reported in the literature in individuals affected with RYR1-related conditions. Algorithms developed to predict the effect of missense changes on protein structure and function (SIFT, PolyPhen-2, Align-GVGD) all suggest that this variant is likely to be tolerated. In summary, the available evidence is currently insufficient to determine the role of this variant in disease. Therefore, it has been classified as a Variant of Uncertain Significance.

NM_000540.3(RYR1):c.7903G>C (p.Glu2635Gln)

Gene: RYR1 (ryanodine receptor 1; plus strand). Cytogenetic location: 19q13.2.
Variant type: single nucleotide variant.
Coding change: c.7903G>C on transcript NM_000540.3 (MANE Select); coding-DNA position 7903, G replaced by C.
Protein change: p.Glu2635Gln; replaces glutamic acid 2635 with glutamine.
Molecular consequence: missense variant.
Genome position (GRCh38, 1-based): chr19:38,502,947, G>C. VCF-style: chr19-38502947-G-C. GRCh37 (hg19) VCF-style: chr19-38993587-G-C.
Other names: c.7903G>C, p.Glu2635Gln (NM_001042723.2); short protein forms E2635Q.
Identifiers: ClinVar variation 1024647 (VCV001024647.7), dbSNP rs750282403, ClinGen allele CA071020.
Genomic context (GRCh38, chr19:38,502,947, plus strand): 5'-CGCCCGTCGATGCTGCAGCACCTGTTGCGCCGCCTGGTGTTCGACGTGCCCATCCTCAAC[G>C]AGTTCGCCAAGATGCCACTCAAGGTGAGGGCAAGCGCTCTTTAGCATCTCATTTCCAGGC-3'
Protein context (NP_000531.2, residues 2625-2645): RLVFDVPILN[Glu2635Gln]FAKMPLKLLT